The following is an entry in ClinVar:

NM_006231.4(POLE):c.6330+3G>A

Gene: POLE (DNA polymerase epsilon, catalytic subunit; minus strand). Cytogenetic location: 12q24.33.
Variant type: single nucleotide variant.
Coding change: c.6330+3G>A on transcript NM_006231.4 (MANE Select); 3 bases into the intron after coding-DNA position 6330, G replaced by A.
Molecular consequence: intron variant.
Genome position (GRCh38, 1-based): chr12:132,632,312, C>T on the plus strand (G>A on the coding strand, the complement: POLE is on the minus strand). VCF-style: chr12-132632312-C-T. GRCh37 (hg19) VCF-style: chr12-133208898-C-T.
Other names: c.6330+3G>A (NM_006231.2).
Identifiers: ClinVar variation 3721217 (VCV003721217.3).

ClinVar aggregate classification (germline): Uncertain significance. Review status: criteria provided, multiple submitters, no conflicts (2 of 4 stars). 2 submissions from 2 submitters: Uncertain significance (2). Last evaluated 2025-04-30.

Conditions:
Hereditary cancer-predisposing syndrome. Also called: Tumor predisposition; Hereditary Cancer Syndrome; Hereditary neoplastic syndrome; Neoplastic Syndromes, Hereditary. Identifiers: Orphanet 140162, MedGen C0027672, MeSH D009386, MONDO:0015356.

Submissions (2):

Ambry Genetics
Classification: Uncertain significance for Hereditary cancer-predisposing syndrome. Last evaluated: 2025-04-30. Review status: criteria provided, single submitter. Criteria: Ambry Variant Classification Scheme 2023. Collection method: clinical testing. Allele origin: germline.
Comment: The c.6330+3G>A intronic variant results from a G to A substitution 3 nucleotides after coding exon 45 in the POLE gene. This nucleotide position is not well conserved in available vertebrate species. In silico splice site analysis predicts that this alteration will not have any significant effect on splicing. Based on the available evidence, the clinical significance of this variant remains unclear.

Labcorp Genetics (formerly Invitae), Labcorp
Classification: Uncertain significance. Last evaluated: 2024-09-21. Review status: criteria provided, single submitter. Criteria: Invitae Variant Classification Sherloc (09022015). Collection method: clinical testing. Allele origin: germline.
Comment: This sequence change falls in intron 45 of the POLE gene. It does not directly change the encoded amino acid sequence of the POLE protein. It affects a nucleotide within the consensus splice site. This variant is not present in population databases (gnomAD no frequency). This variant has not been reported in the literature in individuals affected with POLE-related conditions. Variants that disrupt the consensus splice site are a relatively common cause of aberrant splicing (PMID: 17576681, 9536098). Algorithms developed to predict the effect of sequence changes on RNA splicing suggest that this variant is not likely to affect RNA splicing. In summary, the available evidence is currently insufficient to determine the role of this variant in disease. Therefore, it has been classified as a Variant of Uncertain Significance.

Literature cited by the submitters: PubMed 17576681 (cited by Labcorp Genetics (formerly Invitae), Labcorp); PubMed 9536098 (cited by Labcorp Genetics (formerly Invitae), Labcorp).